The following is an entry in ClinVar:

NM_000965.5(RARB):c.416A>G (p.Gln139Arg)

Gene: RARB (retinoic acid receptor beta; plus strand). Cytogenetic location: 3p24.2.
Variant type: single nucleotide variant.
Coding change: c.416A>G on transcript NM_000965.5 (MANE Select); coding-DNA position 416, A replaced by G.
Protein change: p.Gln139Arg; replaces glutamine 139 with arginine.
Molecular consequence: missense variant. On other transcripts: non-coding transcript variant (2).
Genome position (GRCh38, 1-based): chr3:25,501,291, A>G. VCF-style: chr3-25501291-A-G. GRCh37 (hg19) VCF-style: chr3-25542782-A-G.
Other names: c.437A>G, p.Gln146Arg (NM_001290216.3); c.80A>G, p.Gln27Arg (NM_001290217.2, NM_001290276.2, NM_016152.4); c.269A>G, p.Gln90Arg (NM_001290266.2); c.416A>G, p.Gln139Arg (NM_001290277.1); c.287A>G, p.Gln96Arg (NM_001290300.2); short protein forms Q90R, Q139R, Q27R, Q96R, Q146R.
Identifiers: ClinVar variation 5002258 (VCV005002258.1).

ClinVar aggregate classification (germline): Uncertain significance (1 of 4 stars; one submission).

Conditions:
RARB-related disorder. Also called: RARB-related condition.

Submission:

PreventionGenetics, part of Exact Sciences
Classification: Uncertain significance for RARB-related condition. Last evaluated: 2025-03-25. Review status: criteria provided, single submitter. Criteria: ACMG Guidelines, 2015. Collection method: clinical testing. Allele origin: germline.
Comment: The RARB c.416A>G variant is predicted to result in the amino acid substitution p.Gln139Arg. To our knowledge, this variant has not been reported in the literature. This variant is present in 0.0062% of alleles in individuals of African descent in gnomAD. At this time, the clinical significance of this variant is uncertain due to the absence of conclusive functional and genetic evidence.